The following is an entry in ClinVar:

ClinVar aggregate classification (germline): Uncertain significance (1 of 4 stars; one submission).

Submission:

Labcorp Genetics (formerly Invitae), Labcorp
Classification: Uncertain significance. Last evaluated: 2024-06-24. Review status: criteria provided, single submitter. Criteria: Invitae Variant Classification Sherloc (09022015). Collection method: clinical testing. Allele origin: germline.
Comment: This sequence change replaces serine, which is neutral and polar, with arginine, which is basic and polar, at codon 465 of the CACNA1D protein (p.Ser465Arg). This variant is not present in population databases (gnomAD no frequency). This variant has not been reported in the literature in individuals affected with CACNA1D-related conditions. Advanced modeling of protein sequence and biophysical properties (such as structural, functional, and spatial information, amino acid conservation, physicochemical variation, residue mobility, and thermodynamic stability) performed at Invitae indicates that this missense variant is not expected to disrupt CACNA1D protein function with a negative predictive value of 80%. In summary, the available evidence is currently insufficient to determine the role of this variant in disease. Therefore, it has been classified as a Variant of Uncertain Significance.

NM_001128840.3(CACNA1D):c.1393A>C (p.Ser465Arg)

Gene: CACNA1D (calcium voltage-gated channel subunit alpha1 D; plus strand). Cytogenetic location: 3p21.1.
Variant type: single nucleotide variant.
Coding change: c.1393A>C on transcript NM_001128840.3 (MANE Select); coding-DNA position 1393, A replaced by C.
Protein change: p.Ser465Arg; replaces serine 465 with arginine.
Molecular consequence: missense variant.
Genome position (GRCh38, 1-based): chr3:53,718,303, A>C. VCF-style: chr3-53718303-A-C. GRCh37 (hg19) VCF-style: chr3-53752330-A-C.
Other names: c.1393A>C, p.Ser465Arg (NM_000720.4, NM_001128839.3); short protein forms S465R.
Identifiers: ClinVar variation 3657625 (VCV003657625.2).